The following is an entry in ClinVar:

NM_003573.2(LTBP4):c.310C>G (p.Pro104Ala)

Gene: LTBP4 (latent transforming growth factor beta binding protein 4; plus strand). Cytogenetic location: 19q13.2.
Variant type: single nucleotide variant.
Coding change: c.310C>G on transcript NM_003573.2; coding-DNA position 310, C replaced by G.
Protein change: p.Pro104Ala; replaces proline 104 with alanine.
Molecular consequence: missense variant.
Genome position (GRCh38, 1-based): chr19:40,600,147, C>G. VCF-style: chr19-40600147-C-G. GRCh37 (hg19) VCF-style: chr19-41106053-C-G.
Other names: c.421C>G, p.Pro141Ala (NM_001042544.1); short protein forms P104A, P141A.
Identifiers: ClinVar variation 329301 (VCV000329301.15), dbSNP rs886054444, ClinGen allele CA10642832.

ClinVar aggregate classification (germline): Uncertain significance. Review status: criteria provided, multiple submitters, no conflicts (2 of 4 stars). 3 submissions from 3 submitters: Uncertain significance (3). Last evaluated 2025-02-18.

Conditions:
Cutis laxa with severe pulmonary, gastrointestinal and urinary anomalies. Also called: LTBP4-Related Cutis Laxa; Cutis laxa, autosomal recessive, type IC; URBAN-RIFKIN-DAVIS SYNDROME. Identifiers: Orphanet 221145, MedGen C2750804, MONDO:0013170, OMIM 613177. Disease mechanism: loss of function.

Allele frequency attached by ClinVar (database versions not stated): gnomAD 0.00002; gnomAD exomes 0.00002; TOPMed 0.00003.
gnomAD v4.1: 28 of 1,256,284 alleles (0.0022%); highest among the groups gnomAD compares: Middle Eastern, 0.045%; no homozygotes.

Submissions (3):

GeneDx
Classification: Uncertain significance. Last evaluated: 2025-02-18. Review status: criteria provided, single submitter. Criteria: GeneDx Variant Classification Process June 2021. Collection method: clinical testing. Allele origin: germline. Affected: yes.
Comment: Not observed at significant frequency in large population cohorts (gnomAD); In silico analysis indicates that this missense variant does not alter protein structure/function; Has not been previously published as pathogenic or benign to our knowledge

Labcorp Genetics (formerly Invitae), Labcorp
Classification: Uncertain significance. Last evaluated: 2022-10-17. Review status: criteria provided, single submitter. Criteria: Invitae Variant Classification Sherloc (09022015). Collection method: clinical testing. Allele origin: germline.
Comment: This sequence change replaces proline, which is neutral and non-polar, with alanine, which is neutral and non-polar, at codon 104 of the LTBP4 protein (p.Pro104Ala). This variant is not present in population databases (gnomAD no frequency). In summary, the available evidence is currently insufficient to determine the role of this variant in disease. Therefore, it has been classified as a Variant of Uncertain Significance. Experimental studies and prediction algorithms are not available or were not evaluated, and the functional significance of this variant is currently unknown. ClinVar contains an entry for this variant (Variation ID: 329301). This variant has not been reported in the literature in individuals affected with LTBP4-related conditions.

Illumina Laboratory Services, Illumina
Classification: Uncertain significance for Cutis laxa with severe pulmonary, gastrointestinal and urinary anomalies. Last evaluated: 2018-01-12. Review status: criteria provided, single submitter. Criteria: ICSL Variant Classification Criteria 13 December 2019. Collection method: clinical testing. Allele origin: germline.